The following is an entry in ClinVar:

ClinVar aggregate classification (germline): Uncertain significance. Review status: criteria provided, multiple submitters, no conflicts (2 of 4 stars). 3 submissions from 3 submitters: Uncertain significance (3). Last evaluated 2024-02-17.

Conditions:
Familial melanoma. Also called: Hereditary melanoma; Hereditary cutaneous melanoma. Identifiers: Orphanet 618, MedGen C1512419, MONDO:0018961.
Hereditary cancer-predisposing syndrome. Also called: Hereditary neoplastic syndrome; Neoplastic Syndromes, Hereditary; Hereditary Cancer Syndrome; Tumor predisposition. Identifiers: Orphanet 140162, MedGen C0027672, MeSH D009386, MONDO:0015356.

Submissions (3):

Labcorp Genetics (formerly Invitae), Labcorp
Classification: Uncertain significance for Familial melanoma. Last evaluated: 2024-02-17. Review status: criteria provided, single submitter. Criteria: Invitae Variant Classification Sherloc (09022015). Collection method: clinical testing. Allele origin: germline.
Comment: The CDKN2A gene encodes two different proteins, p16INK4a and p14ARF, which are translated from alternative transcripts with different open reading frames. Both transcripts have been analyzed. We report either the variant with the higher classification or default to the CDKN2A (p16INK4a) variant. This report therefore includes the details for the CDKN2A (p16INK4a) variant. This sequence change replaces serine, which is neutral and polar, with arginine, which is basic and polar, at codon 56 of the CDKN2A (p16INK4a) protein (p.Ser56Arg). This variant is not present in population databases (gnomAD no frequency). This missense change has been observed in individual(s) with multiple primary melanomas (PMID: 26775776). This variant is also known as c.211C>G (p.Arg71Gly) in the CDKN2A (p14ARF) transcript. ClinVar contains an entry for this variant (Variation ID: 463488). An algorithm developed to predict the effect of missense changes on protein structure and function (PolyPhen-2) suggests that this variant is likely to be disruptive. This variant disrupts the p.Ser56 amino acid residue in CDKN2A (p16INK4a). Other variant(s) that disrupt this residue have been determined to be pathogenic (PMID: 9425228, 9516223, 12072543, 15150307, 15235029, 17492760, 20340136, 21462282, 22841127). This suggests that this residue is clinically significant, and that variants that disrupt this residue are likely to be disease-causing. In summary, the available evidence is currently insufficient to determine the role of this variant in disease. Therefore, it has been classified as a Variant of Uncertain Significance.

Ambry Genetics
Classification: Uncertain significance for Hereditary cancer-predisposing syndrome. Last evaluated: 2023-11-17. Review status: criteria provided, single submitter. Criteria: Ambry Variant Classification Scheme 2023. Collection method: clinical testing. Allele origin: germline.
Comment: The p.S56R variant (also known as c.168C>G), located in coding exon 2 of the CDKN2A gene, results from a C to G substitution at nucleotide position 168. The serine at codon 56 is replaced by arginine, an amino acid with dissimilar properties. This alteration has been reported in an individual with multiple primary melanomas (Bruno W et al. J Am Acad Dermatol, 2016 Feb;74:325-32). This amino acid position is not well conserved in available vertebrate species. In addition, the in silico prediction for this alteration is inconclusive. Since supporting evidence is limited at this time, the clinical significance of this alteration remains unclear.

Color Diagnostics, LLC DBA Color Health
Classification: Uncertain significance for Hereditary cancer-predisposing syndrome. Last evaluated: 2022-11-22. Review status: criteria provided, single submitter. Criteria: ACMG Guidelines, 2015. Collection method: clinical testing. Allele origin: germline.
Comment: The CDKN2A locus encodes two different gene products, p16INK4a and p14ARF. This missense variant replaces serine with arginine at codon 56 of the CDKN2A (p16INK4A) protein. Computational prediction suggests that this variant may not impact protein structure and function (internally defined REVEL score threshold <= 0.5, PMID: 27666373). To our knowledge, functional studies have not been reported for this variant. This variant has not been reported in individuals affected with CDKN2A-related disorders in the literature. This variant has not been identified in the general population by the Genome Aggregation Database (gnomAD). A different variant resulting in the same amino acid change, c.168C>A (p.Ser56Arg), was detected in an individual affected with multiple primary melanomas (PMID: 26775776). The available evidence is insufficient to determine the role of this variant in disease conclusively. Therefore, this variant is classified as a Variant of Uncertain Significance.

Literature cited by the submitters: PubMed 26775776 (cited by 3 submitters); PubMed 9425228 (cited by Labcorp Genetics (formerly Invitae), Labcorp); PubMed 9516223 (cited by Labcorp Genetics (formerly Invitae), Labcorp); PubMed 12072543 (cited by Labcorp Genetics (formerly Invitae), Labcorp); PubMed 15150307 (cited by Labcorp Genetics (formerly Invitae), Labcorp); PubMed 15235029 (cited by Labcorp Genetics (formerly Invitae), Labcorp); PubMed 17492760 (cited by Labcorp Genetics (formerly Invitae), Labcorp); PubMed 20340136 (cited by Labcorp Genetics (formerly Invitae), Labcorp); PubMed 21462282 (cited by Labcorp Genetics (formerly Invitae), Labcorp); PubMed 22841127 (cited by Labcorp Genetics (formerly Invitae), Labcorp).

NM_000077.5(CDKN2A):c.168C>G (p.Ser56Arg)

Gene: CDKN2A (cyclin dependent kinase inhibitor 2A; minus strand). Cytogenetic location: 9p21.3.
Variant type: single nucleotide variant.
Coding change: c.168C>G on transcript NM_000077.5; coding-DNA position 168, C replaced by G.
Protein change: p.Ser56Arg; replaces serine 56 with arginine.
Molecular consequence: missense variant (on NM_000077.6). On other transcripts: 3 prime UTR variant (1).
Genome position (GRCh38, 1-based): chr9:21,971,191, G>C on the plus strand (C>G on the coding strand, the complement: CDKN2A is on the minus strand). VCF-style: chr9-21971191-G-C. GRCh37 (hg19) VCF-style: chr9-21971190-G-C.
Other names: c.168C>G, p.Ser56Arg (NM_000077.6, NM_001195132.2); c.15C>G, p.Ser5Arg (NM_001363763.2); c.211C>G, p.Arg71Gly (NM_058195.4); c.*91C>G (NM_058197.5); short protein forms R71G, S56R, S5R.
Identifiers: ClinVar variation 463488 (VCV000463488.13), dbSNP rs771138120, ClinGen allele CA373086420.